The following is an entry in ClinVar:

ClinVar aggregate classification (germline): Uncertain significance (1 of 4 stars; one submission).

Conditions:
Cardiovascular phenotype. Identifiers: MedGen CN230736.

gnomAD v4.1: 8 of 1,614,054 alleles (0.0005%); highest among the groups gnomAD compares: Non-Finnish European, 0.00068%; no homozygotes.

Submission:

Ambry Genetics
Classification: Uncertain significance for Cardiovascular phenotype. Last evaluated: 2021-01-08. Review status: criteria provided, single submitter. Criteria: Ambry Variant Classification Scheme 2023. Collection method: clinical testing. Allele origin: germline.
Comment: The p.D1958V variant (also known as c.5873A>T), located in coding exon 8 of the ALMS1 gene, results from an A to T substitution at nucleotide position 5873. The aspartic acid at codon 1958 is replaced by valine, an amino acid with highly dissimilar properties. This amino acid position is poorly conserved in available vertebrate species. In addition, this alteration is predicted to be tolerated by in silico analysis. Since supporting evidence is limited at this time, the clinical significance of this alteration remains unclear.

NM_001378454.1(ALMS1):c.5870A>T (p.Asp1957Val)

Gene: ALMS1 (ALMS1 centrosome and basal body associated protein; plus strand). Cytogenetic location: 2p13.1.
Variant type: single nucleotide variant.
Coding change: c.5870A>T on transcript NM_001378454.1 (MANE Select); coding-DNA position 5870, A replaced by T.
Protein change: p.Asp1957Val; replaces aspartic acid 1957 with valine.
Molecular consequence: missense variant.
Genome position (GRCh38, 1-based): chr2:73,452,397, A>T. VCF-style: chr2-73452397-A-T. GRCh37 (hg19) VCF-style: chr2-73679524-A-T.
Other names: c.5873A>T, p.Asp1958Val (NM_015120.4); short protein forms D1958V, D1957V.
Identifiers: ClinVar variation 1750210 (VCV001750210.2), dbSNP rs1464393698, ClinGen allele CA347283677.